The following is an entry in ClinVar:

ClinVar aggregate classification (germline): Conflicting classifications of pathogenicity. Review status: criteria provided, conflicting classifications (1 of 4 stars). 8 submissions from 5 submitters: Uncertain significance (7); Likely benign (1). Last evaluated 2026-01-10.

Conditions:
Congenital myopathy 18. Also called: DIHYDROPYRIDINE RECEPTOR CONGENITAL MYOPATHY; DHPR CONGENITAL MYOPATHY; Myopathy, congenital, due to dihydropyridine receptor defect. Identifiers: MedGen C5830283, MONDO:0859514, OMIM 620246.
Hypokalemic periodic paralysis, type 1. Also called: HypoPP; Hypokalemic Periodic Paralysis Type 1 (AD). Identifiers: Orphanet 681, MedGen C3714580, MONDO:0042979, OMIM 170400.
Malignant hyperthermia, susceptibility to, 5 (MHS5). Also called: CACNA1S-Related Malignant Hyperthermia Susceptibility. Identifiers: Orphanet 423, MedGen C1866077, MONDO:0011163, OMIM 601887.
Thyrotoxic periodic paralysis, susceptibility to, 1 (TTPP1). Identifiers: Orphanet 79102, MedGen C2749982, MONDO:0008570, OMIM 188580.

Allele frequency attached by ClinVar (database versions not stated): 1000 Genomes Project 0.00020; 1000 Genomes Project 30x 0.00031.
gnomAD v4.1: 38 of 1,613,846 alleles (0.0024%); highest among the groups gnomAD compares: Middle Eastern, 0.066%; no homozygotes.

Submissions (8):

Labcorp Genetics (formerly Invitae), Labcorp
Classification: Likely benign for Hypokalemic periodic paralysis, type 1; Malignant hyperthermia, susceptibility to, 5. Last evaluated: 2026-01-10. Review status: criteria provided, single submitter. Criteria: Invitae Variant Classification Sherloc (09022015). Collection method: clinical testing. Allele origin: germline.

Blueprint Genetics
Classification: Uncertain significance. Last evaluated: 2024-05-29. Review status: criteria provided, single submitter. Criteria: ACMG Guidelines, 2015. Collection method: clinical testing. Allele origin: germline.

Color Diagnostics, LLC DBA Color Health
Classification: Uncertain significance for Malignant hyperthermia, susceptibility to, 5. Last evaluated: 2024-01-29. Review status: criteria provided, single submitter. Criteria: ACMG Guidelines, 2015. Collection method: clinical testing. Allele origin: germline.
Comment: This missense variant replaces proline with serine at codon 1767 of the CACNA1S protein. Computational prediction suggests that this variant may not impact protein structure and function. To our knowledge, functional studies have not been reported for this variant. This variant has not been reported in individuals affected with CACNA1S-related disorders in the literature. This variant has been identified in 9/250530 chromosomes in the general population by the Genome Aggregation Database (gnomAD). The available evidence is insufficient to determine the role of this variant in disease conclusively. Therefore, this variant is classified as a Variant of Uncertain Significance.

Genome-Nilou Lab
Classification: Uncertain significance for Malignant hyperthermia, susceptibility to, 5. Last evaluated: 2023-04-11. Review status: criteria provided, single submitter. Criteria: ACMG Guidelines, 2015. Collection method: clinical testing. Allele origin: germline. Affected: no.

Genome-Nilou Lab
Classification: Uncertain significance for Thyrotoxic periodic paralysis, susceptibility to, 1. Last evaluated: 2023-04-11. Review status: criteria provided, single submitter. Criteria: ACMG Guidelines, 2015. Collection method: clinical testing. Allele origin: germline. Affected: no.

Genome-Nilou Lab
Classification: Uncertain significance for Congenital myopathy 18. Last evaluated: 2023-04-11. Review status: criteria provided, single submitter. Criteria: ACMG Guidelines, 2015. Collection method: clinical testing. Allele origin: germline. Affected: no.

Genome-Nilou Lab
Classification: Uncertain significance for Hypokalemic periodic paralysis, type 1. Last evaluated: 2023-04-11. Review status: criteria provided, single submitter. Criteria: ACMG Guidelines, 2015. Collection method: clinical testing. Allele origin: germline. Affected: no.

Fulgent Genetics
Classification: Uncertain significance for Hypokalemic periodic paralysis, type 1; Thyrotoxic periodic paralysis, susceptibility to, 1; Malignant hyperthermia, susceptibility to, 5. Last evaluated: 2021-09-24. Review status: criteria provided, single submitter. Criteria: ACMG Guidelines, 2015. Collection method: clinical testing. Allele origin: unknown.

NM_000069.3(CACNA1S):c.5299C>T (p.Pro1767Ser)

Gene: CACNA1S (calcium voltage-gated channel subunit alpha1 S; minus strand). Cytogenetic location: 1q32.1.
Variant type: single nucleotide variant.
Coding change: c.5299C>T on transcript NM_000069.3 (MANE Select); coding-DNA position 5299, C replaced by T.
Protein change: p.Pro1767Ser; replaces proline 1767 with serine.
Molecular consequence: missense variant.
Genome position (GRCh38, 1-based): chr1:201,040,302, G>A on the plus strand (C>T on the coding strand, the complement: CACNA1S is on the minus strand). VCF-style: chr1-201040302-G-A. GRCh37 (hg19) VCF-style: chr1-201009430-G-A.
Other names: short protein forms P1767S.
Identifiers: ClinVar variation 1507001 (VCV001507001.14), dbSNP rs200434921, ClinGen allele CA083801.